The following is an entry in ClinVar:

NM_000051.4(ATM):c.8301_8344dup (p.Asn2782fs)

Genes: ATM (ATM serine/threonine kinase; plus strand), C11orf65 (chromosome 11 open reading frame 65; minus strand). Cytogenetic location: 11q22.3.
Variant type: Duplication.
Coding change: c.8301_8344dup on transcript NM_000051.4 (MANE Select); coding-DNA positions 8301 to 8344, 44 bases duplicated.
Protein change: p.Asn2782fs; shifts the reading frame from asparagine 2782.
Molecular consequence: frameshift variant. On other transcripts: intron variant (2).
Genome position (GRCh38, 1-based): chr11:108,343,254-108,343,297, 44 bases duplicated. GRCh37 (hg19): chr11:108,213,981-108,214,024.
Other names: c.8301_8344dup, p.Asn2782fs (NM_001351834.2); c.641-34226_641-34183dup (NM_001330368.2); c.695-8005_695-7962dup (NM_001351110.2); short protein forms N2782fs.
Identifiers: ClinVar variation 2842867 (VCV002842867.3), dbSNP rs2547415754, ClinGen allele CA2739265989.
Genomic context (GRCh38, chr11:108,343,253, plus strand): 5'-ATTAAAAGGTATTTAATCTGTAACTCCAGGTGGTTCCCCTCTCTCAGCGAAGTGGTGTTC[T>TTGAATGGTGCACAGGAACTGTCCCCATTGGTGAATTTCTTGTTA]TGAATGGTGCACAGGAACTGTCCCCATTGGTGAATTTCTTGTTAACAATGAAGATGGTGC-3'

ClinVar aggregate classification (germline): Pathogenic (1 of 4 stars; one submission).

Conditions:
Ataxia-telangiectasia syndrome (AT). Also called: LOUIS-BAR SYNDROME; Cerebello-oculocutaneous telangiectasia; Immunodeficiency with ataxia telangiectasia; Ataxia telangiectasia (A-T); Ataxia-telangiectasia, complementation group D; AT, COMPLEMENTATION GROUP C. Identifiers: Orphanet 100, MedGen C0004135, MONDO:0008840, OMIM 208900.

Submission:

Labcorp Genetics (formerly Invitae), Labcorp
Classification: Pathogenic for Ataxia-telangiectasia syndrome. Last evaluated: 2023-03-04. Review status: criteria provided, single submitter. Criteria: Invitae Variant Classification Sherloc (09022015). Collection method: clinical testing. Allele origin: germline.
Comment: This sequence change creates a premature translational stop signal (p.Asn2782Metfs*39) in the ATM gene. It is expected to result in an absent or disrupted protein product. Loss-of-function variants in ATM are known to be pathogenic (PMID: 23807571, 25614872). For these reasons, this variant has been classified as Pathogenic. This variant has not been reported in the literature in individuals affected with ATM-related conditions. This variant is not present in population databases (gnomAD no frequency).

Literature cited by the submitters: PubMed 23807571; PubMed 25614872.